The following is an entry in ClinVar:

NM_004958.4(MTOR):c.3523_3524delinsAT (p.Asp1175Ile)

Gene: MTOR (mechanistic target of rapamycin kinase; minus strand). Cytogenetic location: 1p36.22.
Variant type: Indel.
Coding change: c.3523_3524delinsAT on transcript NM_004958.4 (MANE Select); coding-DNA positions 3523 to 3524, GA replaced by AT.
Protein change: p.Asp1175Ile; replaces aspartic acid 1175 with isoleucine.
Molecular consequence: missense variant.
Genome position (GRCh38, 1-based): chr1:11,212,349-11,212,350, TC replaced by AT on the plus strand (GA replaced by AT on the coding strand, the reverse complement: MTOR is on the minus strand). VCF-style: chr1-11212349-TC-AT. GRCh37 (hg19) VCF-style: chr1-11272406-TC-AT.
Other names: c.3523_3524delinsAT, p.Asp1175Ile (NM_001386500.1); c.2275_2276delinsAT, p.Asp759Ile (NM_001386501.1); short protein forms D1175I, D759I.
Identifiers: ClinVar variation 2007439 (VCV002007439.4), dbSNP rs2523105063, ClinGen allele CA2580061202.

ClinVar aggregate classification (germline): Uncertain significance (1 of 4 stars; one submission).

Submission:

Labcorp Genetics (formerly Invitae), Labcorp
Classification: Uncertain significance. Last evaluated: 2022-06-16. Review status: criteria provided, single submitter. Criteria: Invitae Variant Classification Sherloc (09022015). Collection method: clinical testing. Allele origin: germline.
Comment: This sequence change replaces aspartic acid, which is acidic and polar, with isoleucine, which is neutral and non-polar, at codon 1175 of the MTOR protein (p.Asp1175Ile). In summary, the available evidence is currently insufficient to determine the role of this variant in disease. Therefore, it has been classified as a Variant of Uncertain Significance. Algorithms developed to predict the effect of missense changes on protein structure and function are either unavailable or do not agree on the potential impact of this missense change (SIFT: "Not Available"; PolyPhen-2: "Probably Damaging"; Align-GVGD: "Not Available"). This variant has not been reported in the literature in individuals affected with MTOR-related conditions. Information on the frequency of this variant in the gnomAD database is not available, as this variant may be reported differently in the database.